The following is an entry in ClinVar:

ClinVar aggregate classification (germline): Uncertain significance. Review status: criteria provided, multiple submitters, no conflicts (2 of 4 stars). 2 submissions from 2 submitters: Uncertain significance (2). Last evaluated 2025-03-20.

Allele frequency attached by ClinVar (database versions not stated): gnomAD 0.00011 and 0.00013; TOPMed 0.00014; 1000 Genomes Project 30x 0.00031; 1000 Genomes Project 0.00040.
gnomAD v4.1: 216 of 1,613,848 alleles (0.013%); highest among the groups gnomAD compares: South Asian, 0.022%; no homozygotes.

Submissions (2):

GeneDx
Classification: Uncertain significance. Last evaluated: 2025-03-20. Review status: criteria provided, single submitter. Criteria: GeneDx Variant Classification Process June 2021. Collection method: clinical testing. Allele origin: germline. Affected: yes.
Comment: In silico analysis supports that this missense variant has a deleterious effect on protein structure/function; Has not been previously published as pathogenic or benign to our knowledge

Revvity Omics, Revvity
Classification: Uncertain significance. Last evaluated: 2020-02-26. Review status: criteria provided, single submitter. Criteria: ACMG Guidelines, 2015. Collection method: clinical testing. Allele origin: germline.

NM_005529.7(HSPG2):c.9412G>A (p.Gly3138Arg)

Gene: HSPG2 (heparan sulfate proteoglycan 2; minus strand). Cytogenetic location: 1p36.12.
Variant type: single nucleotide variant.
Coding change: c.9412G>A on transcript NM_005529.7 (MANE Select); coding-DNA position 9412, G replaced by A.
Protein change: p.Gly3138Arg; replaces glycine 3138 with arginine.
Molecular consequence: missense variant.
Genome position (GRCh38, 1-based): chr1:21,841,202, C>T on the plus strand (G>A on the coding strand, the complement: HSPG2 is on the minus strand). VCF-style: chr1-21841202-C-T. GRCh37 (hg19) VCF-style: chr1-22167695-C-T.
Other names: c.9415G>A, p.Gly3139Arg (NM_001291860.2); short protein forms G3138R, G3139R.
Identifiers: ClinVar variation 546121 (VCV000546121.8), dbSNP rs201958429, ClinGen allele CA670454.